The following is an entry in ClinVar:

ClinVar aggregate classification (germline): Pathogenic. Review status: criteria provided, multiple submitters, no conflicts (2 of 4 stars). 4 submissions from 3 submitters: Pathogenic (4). Last evaluated 2023-12-05.

Conditions:
Congenital myasthenic syndrome 10. Also called: Myasthenia, limb-girdle, familial. Identifiers: Orphanet 590, MedGen C1850792, MONDO:0009690, OMIM 254300.
Fetal akinesia deformation sequence 1 (FADS1). Also called: Pena-Shokeir syndrome type I; Fetal akinesia sequence. Identifiers: Orphanet 994, MedGen C1276035, MONDO:0100101, OMIM 208150, HP:0001989.
Fetal akinesia deformation sequence 3. Identifiers: MedGen C4760599, MONDO:0100103, OMIM 618389.

Submissions (4):

GeneDx
Classification: Pathogenic. Last evaluated: 2023-12-05. Review status: criteria provided, single submitter. Criteria: GeneDx Variant Classification Process June 2021. Collection method: clinical testing. Allele origin: germline. Affected: yes.
Comment: Frameshift variant predicted to result in protein truncation or nonsense mediated decay in a gene for which loss of function is a known mechanism of disease; Not observed at significant frequency in large population cohorts (gnomAD); This variant is associated with the following publications: (PMID: 26633545)

Labcorp Genetics (formerly Invitae), Labcorp
Classification: Pathogenic for Congenital myasthenic syndrome 10; Fetal akinesia deformation sequence 1. Last evaluated: 2023-08-16. Review status: criteria provided, single submitter. Criteria: Invitae Variant Classification Sherloc (09022015). Collection method: clinical testing. Allele origin: germline.
Comment: ClinVar contains an entry for this variant (Variation ID: 209149). This variant is present in population databases (rs776704789, gnomAD 0.01%). This premature translational stop signal has been observed in individual(s) with congenital myasthenic syndrome (PMID: 26633545; Invitae). In at least one individual the data is consistent with being in trans (on the opposite chromosome) from a pathogenic variant. This sequence change creates a premature translational stop signal (p.Ala380Glyfs*27) in the DOK7 gene. While this is not anticipated to result in nonsense mediated decay, it is expected to disrupt the last 125 amino acid(s) of the DOK7 protein. This variant disrupts a region of the DOK7 protein in which other variant(s) (p.Cys412*, p.Gln460*, p.Gly479Hisfs*13) have been determined to be pathogenic (PMID: 20012313, 20458068, 28716243). This suggests that this is a clinically significant region of the protein, and that variants that disrupt it are likely to be disease-causing. For these reasons, this variant has been classified as Pathogenic.

Baylor Genetics
Classification: Pathogenic for Fetal akinesia deformation sequence 3. Last evaluated: 2023-04-13. Review status: criteria provided, single submitter. Criteria: ACMG Guidelines, 2015. Collection method: clinical testing. Allele origin: unknown.

Baylor Genetics
Classification: Pathogenic for Myasthenia, limb-girdle, familial. Last evaluated: 2014-06-13. Review status: criteria provided, single submitter. Criteria: Yang et al. 2013. Collection method: clinical testing. Allele origin: maternal. Inheritance: Autosomal recessive inheritance. Affected: yes. Observed: 1 variant allele, 1 compound heterozygote. Study: Adult_WES.

Literature cited by the submitters: PubMed 26633545 (cited by Labcorp Genetics (formerly Invitae), Labcorp and Baylor Genetics); PubMed 20012313 (cited by Labcorp Genetics (formerly Invitae), Labcorp); PubMed 20458068 (cited by Labcorp Genetics (formerly Invitae), Labcorp); PubMed 28716243 (cited by Labcorp Genetics (formerly Invitae), Labcorp).

NM_173660.5(DOK7):c.1138dup (p.Ala380fs)

Gene: DOK7 (docking protein 7; plus strand). Cytogenetic location: 4p16.3.
Variant type: Duplication.
Coding change: c.1138dup on transcript NM_173660.5 (MANE Select); coding-DNA position 1138, one base duplicated (G; older notation c.1138dupG).
Protein change: p.Ala380fs; shifts the reading frame from alanine 380.
Molecular consequence: frameshift variant. On other transcripts: 3 prime UTR variant (1).
Genome position (GRCh38, 1-based): chr4:3,493,124, G duplicated; the last of 5 consecutive G bases (chr4:3,493,120-3,493,124); duplicating any one gives the same sequence. VCF-style (leftmost placement, unchanged base first): chr4-3493119-C-CG. GRCh37 (hg19) VCF-style: chr4-3494846-C-CG.
Other names: c.*359dup (NM_001164673.2); c.208dup, p.Ala70fs (NM_001256896.2); c.1138dup, p.Ala380fs (NM_001301071.2); c.706dup, p.Ala236fs (NM_001363811.2); short protein forms A70fs, A236fs, A380fs.
Identifiers: ClinVar variation 209149 (VCV000209149.13), dbSNP rs761899995, ClinGen allele CA276140.